The following is an entry in ClinVar:

NM_000128.4(F11):c.449_450del (p.Thr150fs)

Gene: F11 (coagulation factor XI; plus strand). Cytogenetic location: 4q35.2.
Variant type: Deletion.
Coding change: c.449_450del on transcript NM_000128.4 (MANE Select); coding-DNA positions 449 to 450, 2 bases deleted (CG; older notation c.449_450delCG).
Protein change: p.Thr150fs; shifts the reading frame from threonine 150.
Molecular consequence: frameshift variant.
Genome position (GRCh38, 1-based): chr4:186,274,239-186,274,240, CG deleted. VCF-style (leftmost placement, unchanged base first): chr4-186274238-ACG-A. GRCh37 (hg19) VCF-style: chr4-187195392-ACG-A.
Other names: c.449_450del, p.Thr150fs (NM_001354804.2); short protein forms T150fs.
Identifiers: ClinVar variation 835116 (VCV000835116.7), dbSNP rs1740201702, ClinGen allele CA916081459.
Genomic context (GRCh38, chr4:186,274,238, plus strand): 5'-GCCAAGAGTGCTCAAGAATGCCAAGAAAGATGCACGGATGACGTCCACTGCCACTTTTTC[ACG>A]TACGCCACAAGGCAGTTTCCCAGCCTGGAGCATCGGTGAGTGAGTCCCAGGACATTCGAG-3'

ClinVar aggregate classification (germline): Pathogenic (1 of 4 stars; one submission).

Submission:

Labcorp Genetics (formerly Invitae), Labcorp
Classification: Pathogenic. Last evaluated: 2020-09-17. Review status: criteria provided, single submitter. Criteria: Invitae Variant Classification Sherloc (09022015). Collection method: clinical testing. Allele origin: germline.
Comment: For these reasons, this variant has been classified as Pathogenic. Loss-of-function variants in F11 are known to be pathogenic (PMID: 23929304). This variant has not been reported in the literature in individuals with F11-related conditions. ClinVar contains an entry for this variant (Variation ID: 835116). This variant is not present in population databases (ExAC no frequency). This sequence change creates a premature translational stop signal (p.Thr150Ilefs*13) in the F11 gene. It is expected to result in an absent or disrupted protein product.

Literature cited by the submitters: PubMed 23929304.